The following is an entry in ClinVar:

NM_001267550.2(TTN):c.90287A>T (p.Gln30096Leu)

Genes: TTN (titin; minus strand), TTN-AS1 (TTN antisense RNA 1; plus strand). Cytogenetic location: 2q31.2.
Variant type: single nucleotide variant.
Coding change: c.90287A>T on transcript NM_001267550.2 (MANE Select); coding-DNA position 90287, A replaced by T.
Protein change: p.Gln30096Leu; replaces glutamine 30096 with leucine.
Molecular consequence: missense variant.
Genome position (GRCh38, 1-based): chr2:178,552,613, T>A on the plus strand (A>T on the coding strand, the complement: TTN is on the minus strand). VCF-style: chr2-178552613-T-A. GRCh37 (hg19) VCF-style: chr2-179417340-T-A.
Other names: c.85364A>T, p.Gln28455Leu (NM_001256850.1); c.63092A>T, p.Gln21031Leu (NM_003319.4); c.82583A>T, p.Gln27528Leu (NM_133378.4); c.63467A>T, p.Gln21156Leu (NM_133432.3); c.63668A>T, p.Gln21223Leu (NM_133437.4); short protein forms Q21031L, Q21156L, Q21223L, Q27528L, Q28455L, Q30096L.
Identifiers: ClinVar variation 1807490 (VCV001807490.2), dbSNP rs773339782, ClinGen allele CA349512188.

ClinVar aggregate classification (germline): Uncertain significance. Review status: criteria provided, multiple submitters, no conflicts (2 of 4 stars). 2 submissions from 2 submitters: Uncertain significance (2). Last evaluated 2023-03-20.

Allele frequency attached by ClinVar (database versions not stated): gnomAD 0.00001.
gnomAD v4.1: 3 of 1,613,820 alleles (0.00019%); highest among the groups gnomAD compares: Non-Finnish European, 0.00025%; no homozygotes.

Submissions (2):

GeneDx
Classification: Uncertain significance. Last evaluated: 2023-03-20. Review status: criteria provided, single submitter. Criteria: GeneDx Variant Classification Process June 2021. Collection method: clinical testing. Allele origin: germline. Affected: yes.
Comment: Not observed at significant frequency in large population cohorts (gnomAD); Missense variant in a gene in which most reported pathogenic variants are truncating/loss of function; Has not been previously published as pathogenic or benign to our knowledge

Athena Diagnostics
Classification: Uncertain significance. Last evaluated: 2021-06-09. Review status: criteria provided, single submitter. Criteria: Athena Diagnostics Criteria. Collection method: clinical testing. Allele origin: unknown.